The following is an entry in ClinVar:

NM_015046.7(SETX):c.3968G>A (p.Arg1323Gln)

Gene: SETX (senataxin; minus strand). Cytogenetic location: 9q34.13.
Variant type: single nucleotide variant.
Coding change: c.3968G>A on transcript NM_015046.7 (MANE Select); coding-DNA position 3968, G replaced by A.
Protein change: p.Arg1323Gln; replaces arginine 1323 with glutamine.
Molecular consequence: missense variant.
Genome position (GRCh38, 1-based): chr9:132,327,630, C>T on the plus strand (G>A on the coding strand, the complement: SETX is on the minus strand). VCF-style: chr9-132327630-C-T. GRCh37 (hg19) VCF-style: chr9-135203017-C-T.
Other names: c.3968G>A, p.Arg1323Gln (NM_001351527.2, NM_001351528.2); short protein forms R1323Q.
Identifiers: ClinVar variation 155744 (VCV000155744.12), dbSNP rs369542231, ClinGen allele CA233096.

ClinVar aggregate classification (germline): Conflicting classifications of pathogenicity. Review status: criteria provided, conflicting classifications (1 of 4 stars). 8 submissions from 7 submitters: Uncertain significance (6); Benign (1). 1 of the submissions does not count toward it. Last evaluated 2026-06-26.

Conditions:
SETX-related disorder. Also called: SETX-related condition; SETX-related disorders. Identifiers: MedGen CN239403.
Inborn genetic diseases. Identifiers: MedGen C0950123, MeSH D030342.
Amyotrophic lateral sclerosis type 4 (ALS4). Also called: AMYOTROPHIC LATERAL SCLEROSIS 4, JUVENILE; NEURONOPATHY, DISTAL HEREDITARY MOTOR, WITH PYRAMIDAL FEATURES. Identifiers: Orphanet 357043, MedGen C1865409, MONDO:0011223, OMIM 602433.
Spinocerebellar ataxia, autosomal recessive, with axonal neuropathy 2 (SCAN2). Also called: Ataxia-ocular apraxia-2; ATAXIA-OCULOMOTOR APRAXIA 2; Ataxia with Oculomotor Apraxia Type 2; Ataxia with Oculomotor Apraxia. Identifiers: Orphanet 64753, MedGen C1853761, MONDO:0018996, OMIM 606002.

Allele frequency attached by ClinVar (database versions not stated): gnomAD 0.00003 and 0.00004; TOPMed 0.00003; gnomAD exomes 0.00004; ExAC 0.00006.

Submissions (8):

PreventionGenetics, part of Exact Sciences
Classification: Uncertain significance for SETX-related condition. Last evaluated: 2026-06-26. Review status: criteria provided, single submitter. Criteria: ACMG Guidelines, 2015. Collection method: clinical testing. Allele origin: germline.
Comment: The SETX c.3968G>A variant is predicted to result in the amino acid substitution p.Arg1323Gln. To our knowledge, this variant has not been reported in the literature. This variant is reported in 0.025% of alleles in individuals of East Asian descent in gnomAD. At this time, the clinical significance of this variant is uncertain due to the absence of conclusive functional and genetic evidence.

Labcorp Genetics (formerly Invitae), Labcorp
Classification: Benign for Amyotrophic lateral sclerosis type 4; Spinocerebellar ataxia, autosomal recessive, with axonal neuropathy 2. Last evaluated: 2025-09-06. Review status: criteria provided, single submitter. Criteria: Invitae Variant Classification Sherloc (09022015). Collection method: clinical testing. Allele origin: germline.

Ambry Genetics
Classification: Uncertain significance for Inborn genetic diseases. Last evaluated: 2023-10-20. Review status: criteria provided, single submitter. Criteria: Ambry Variant Classification Scheme 2023. Collection method: clinical testing. Allele origin: germline.

Genome-Nilou Lab
Classification: Uncertain significance for Spinocerebellar ataxia, autosomal recessive, with axonal neuropathy 2. Last evaluated: 2023-02-08. Review status: criteria provided, single submitter. Criteria: ACMG Guidelines, 2015. Collection method: clinical testing. Allele origin: germline.

Genome-Nilou Lab
Classification: Uncertain significance for Amyotrophic lateral sclerosis type 4. Last evaluated: 2023-02-08. Review status: criteria provided, single submitter. Criteria: ACMG Guidelines, 2015. Collection method: clinical testing. Allele origin: germline.

Revvity Omics, Revvity
Classification: Uncertain significance. Last evaluated: 2022-05-12. Review status: criteria provided, single submitter. Criteria: ACMG Guidelines, 2015. Collection method: clinical testing. Allele origin: germline.

Athena Diagnostics
Classification: Uncertain significance. Last evaluated: 2016-12-16. Review status: criteria provided, single submitter. Criteria: Athena Diagnostics Criteria. Collection method: clinical testing. Allele origin: germline.

Northcott Neuroscience Laboratory, ANZAC Research Institute
Classification: Benign. Review status: no assertion criteria provided. Collection method: not provided. Allele origin: unknown. Not counted in ClinVar's aggregate classification.
Comment: HMNP
ClinVar note: Converted during submission from non-pathogenic to Benign.